The following is an entry in ClinVar:

NM_003590.5(CUL3):c.1902_1906dup (p.Cys636fs)

Gene: CUL3 (cullin 3; minus strand). Cytogenetic location: 2q36.2.
Variant type: Duplication.
Coding change: c.1902_1906dup on transcript NM_003590.5 (MANE Select); coding-DNA positions 1902 to 1906, 5 bases duplicated (CGCCT; older notation c.1902_1906dupCGCCT).
Protein change: p.Cys636fs; shifts the reading frame from cysteine 636.
Molecular consequence: frameshift variant.
Genome position (GRCh38, 1-based): chr2:224,482,015-224,482,019, AGGCG duplicated on the plus strand (CGCCT on the coding strand, the reverse complement: CUL3 is on the minus strand); duplicating any 5 consecutive bases within chr2:224,482,015-224,482,022 gives the same sequence; the c. name uses the placement nearest the transcript's 3' end. VCF-style (leftmost placement, unchanged base first): chr2-224482014-C-CAGGCG. GRCh37 (hg19) VCF-style: chr2-225346731-C-CAGGCG.
Other names: c.1704_1708dup, p.Cys570fs (NM_001257197.2); c.1920_1924dup, p.Cys642fs (NM_001257198.2); short protein forms C642fs, C570fs, C636fs.
Identifiers: ClinVar variation 4991499 (VCV004991499.1).
Genomic context (GRCh38, chr2:224,482,014, plus strand): 5'-CCATTTTCTATTTCCTTTGATTTGGGTTCTTTTGTAAGAACCCGCTGTGTTGGTTTACCA[C>CAGGCG]AGGCGAGGGACTGTAGGGCTCTAACAAGCTCTCTTTCAGGGATATCTGTCTCTTGCTGAA-3'

ClinVar aggregate classification (germline): Likely pathogenic (1 of 4 stars; one submission).

Conditions:
CUL3-related disorder. Also called: CUL3-related condition; CUL3-related disorders.

Submission:

PreventionGenetics, part of Exact Sciences
Classification: Likely pathogenic for CUL3-related condition. Last evaluated: 2025-11-06. Review status: criteria provided, single submitter. Criteria: ACMG Guidelines, 2015. Collection method: clinical testing. Allele origin: germline.
Comment: The CUL3 c.1902_1906dup5 variant is predicted to result in a frameshift and premature protein termination (p.Cys636Serfs*20). To our knowledge, this variant has not been reported in the literature or in a large population database (gnomAD), indicating this variant is rare. Frameshift variants in CUL3 are expected to be pathogenic. This variant is interpreted as likely pathogenic.